The following is an entry in ClinVar:

NM_024079.5(ALG8):c.1160T>C (p.Leu387Pro)

Gene: ALG8 (ALG8 alpha-1,3-glucosyltransferase; minus strand). Cytogenetic location: 11q14.1.
Variant type: single nucleotide variant.
Coding change: c.1160T>C on transcript NM_024079.5 (MANE Select); coding-DNA position 1160, T replaced by C.
Protein change: p.Leu387Pro; replaces leucine 387 with proline.
Molecular consequence: missense variant.
Genome position (GRCh38, 1-based): chr11:78,106,825, A>G on the plus strand (T>C on the coding strand, the complement: ALG8 is on the minus strand). VCF-style: chr11-78106825-A-G. GRCh37 (hg19) VCF-style: chr11-77817871-A-G.
Other names: c.1160T>C, p.Leu387Pro (NM_001007027.3); short protein forms L387P.
Identifiers: ClinVar variation 1304231 (VCV001304231.2), dbSNP rs1860054765, ClinGen allele CA382112551.

ClinVar aggregate classification (germline): Uncertain significance (1 of 4 stars; one submission).

Submission:

GeneDx
Classification: Uncertain significance. Last evaluated: 2020-05-12. Review status: criteria provided, single submitter. Criteria: GeneDx Variant Classification Process June 2021. Collection method: clinical testing. Allele origin: germline. Affected: yes.
Comment: Not observed in large population cohorts (Lek et al., 2016); In silico analysis supports that this missense variant has a deleterious effect on protein structure/function; Has not been previously published as pathogenic or benign to our knowledge